The following is an entry in ClinVar:

NM_006904.7(PRKDC):c.3472C>T (p.Pro1158Ser)

Gene: PRKDC (protein kinase, DNA-activated, catalytic subunit; minus strand). Cytogenetic location: 8q11.21.
Variant type: single nucleotide variant.
Coding change: c.3472C>T on transcript NM_006904.7 (MANE Select); coding-DNA position 3472, C replaced by T.
Protein change: p.Pro1158Ser; replaces proline 1158 with serine.
Molecular consequence: missense variant.
Genome position (GRCh38, 1-based): chr8:47,897,287, G>A on the plus strand (C>T on the coding strand, the complement: PRKDC is on the minus strand). VCF-style: chr8-47897287-G-A. GRCh37 (hg19) VCF-style: chr8-48809847-G-A.
Other names: c.3472C>T, p.Pro1158Ser (NM_001081640.2); short protein forms P1158S.
Identifiers: ClinVar variation 1731749 (VCV001731749.2), dbSNP rs1423335316, ClinGen allele CA371153927.

ClinVar aggregate classification (germline): Uncertain significance (1 of 4 stars; one submission).

Allele frequency attached by ClinVar (database versions not stated): gnomAD exomes 0.00001.
gnomAD v4.1: 17 of 1,590,082 alleles (0.0011%); highest among the groups gnomAD compares: Non-Finnish European, 0.0015%; no homozygotes.

Submission:

Ambry Genetics
Classification: Uncertain significance. Last evaluated: 2022-08-22. Review status: criteria provided, single submitter. Criteria: Ambry Variant Classification Scheme 2023. Collection method: clinical testing. Allele origin: germline.
Comment: The p.P1158S variant (also known as c.3472C>T), located in coding exon 30 of the PRKDC gene, results from a C to T substitution at nucleotide position 3472. The proline at codon 1158 is replaced by serine, an amino acid with similar properties. This amino acid position is conserved. In addition, this alteration is predicted to be tolerated by in silico analysis. Since supporting evidence is limited at this time, the clinical significance of this alteration remains unclear.